The following is an entry in ClinVar:

NM_000360.4(TH):c.51del (p.Val18fs)

Gene: TH (tyrosine hydroxylase; minus strand). Cytogenetic location: 11p15.5.
Variant type: Deletion.
Coding change: c.51del on transcript NM_000360.4 (MANE Select); coding-DNA position 51, one base deleted (C; older notation c.51delC).
Protein change: p.Val18fs; shifts the reading frame from valine 18.
Molecular consequence: frameshift variant.
Genome position (GRCh38, 1-based): chr11:2,171,736, G deleted on the plus strand (C on the coding strand, the reverse complement: TH is on the minus strand); the first of 2 consecutive G bases (chr11:2,171,736-2,171,737); deleting either gives the same sequence. VCF-style (leftmost placement, unchanged base first): chr11-2171735-CG-C. GRCh37 (hg19) VCF-style: chr11-2192965-CG-C.
Other names: c.51del, p.Val18fs (NM_199292.3, NM_199293.3); short protein forms V18fs.
Identifiers: ClinVar variation 2100741 (VCV002100741.7), dbSNP rs2495842783, ClinGen allele CA2580082717.
Genomic context (GRCh38, chr11:2,171,735, plus strand): 5'-GGGCACCTACCTGCCCTCTTACCATGATGGCCTCTGCCTGCTTGGCGTCCAGCTCAGACA[CG>C]GCCCTGCGGAAGCCCTTGGCCTGTGGCGTGGTGGCGTCGGGGGTGGGCATGGCTCAGTGT-3'

ClinVar aggregate classification (germline): Pathogenic/Likely pathogenic. Review status: criteria provided, multiple submitters, no conflicts (2 of 4 stars). 2 submissions from 2 submitters: Pathogenic (1); Likely pathogenic (1). Last evaluated 2022-12-10.

Conditions:
TH-deficient dopa-responsive dystonia. Also called: Tyrosine Hydroxylase-Deficient Dopa-Responsive Dystonia; Segawa syndrome, autosomal recessive; DYT-TH. Identifiers: Orphanet 101150, MedGen C2673535, MONDO:0011551, OMIM 605407.

Submissions (2):

Labcorp Genetics (formerly Invitae), Labcorp
Classification: Pathogenic for TH-deficient dopa-responsive dystonia. Last evaluated: 2022-12-10. Review status: criteria provided, single submitter. Criteria: Invitae Variant Classification Sherloc (09022015). Collection method: clinical testing. Allele origin: germline.
Comment: For these reasons, this variant has been classified as Pathogenic. This variant has not been reported in the literature in individuals affected with TH-related conditions. This variant is not present in population databases (gnomAD no frequency). This sequence change creates a premature translational stop signal (p.Val18Cysfs*14) in the TH gene. It is expected to result in an absent or disrupted protein product. Loss-of-function variants in TH are known to be pathogenic (PMID: 22264700, 24753243).

Revvity Omics, Revvity
Classification: Likely pathogenic for TH-deficient dopa-responsive dystonia. Last evaluated: 2021-11-14. Review status: criteria provided, single submitter. Criteria: ACMG Guidelines, 2015. Collection method: clinical testing. Allele origin: germline.

Literature cited by the submitters: PubMed 22264700 (cited by Labcorp Genetics (formerly Invitae), Labcorp); PubMed 24753243 (cited by Labcorp Genetics (formerly Invitae), Labcorp).